The following is an entry in ClinVar:

NM_018129.4(PNPO):c.667A>G (p.Thr223Ala)

Gene: PNPO (pyridoxamine 5'-phosphate oxidase; plus strand). Cytogenetic location: 17q21.32.
Variant type: single nucleotide variant.
Coding change: c.667A>G on transcript NM_018129.4 (MANE Select); coding-DNA position 667, A replaced by G.
Protein change: p.Thr223Ala; replaces threonine 223 with alanine.
Molecular consequence: missense variant.
Genome position (GRCh38, 1-based): chr17:47,946,663, A>G. VCF-style: chr17-47946663-A-G. GRCh37 (hg19) VCF-style: chr17-46024029-A-G.
Other names: short protein forms T223A.
Identifiers: ClinVar variation 1419224 (VCV001419224.8), dbSNP rs1598200536, ClinGen allele CA400062429.
Genomic context (GRCh38, chr17:47,946,663, plus strand): 5'-TCTCCTTATAGGGGTGGCTATGTCCTGTACCCTCAGGTGATGGAGTTCTGGCAAGGTCAA[A>G]CCAACCGCCTGCATGACCGGATAGTCTTTCGGCGGGGCCTACCCACAGGAGATTCCCCTT-3'
Protein context (NP_060599.1, residues 213-233): PQVMEFWQGQ[Thr223Ala]NRLHDRIVFR

ClinVar aggregate classification (germline): Uncertain significance (1 of 4 stars; one submission).

Conditions:
Pyridoxal phosphate-responsive seizures (PNPOD). Also called: Pyridoxine-5'-phosphate oxidase deficiency; Pyridoxal 5'-Phosphate (PLP)-Dependent Epilepsy; EPILEPTIC ENCEPHALOPATHY, NEONATAL, PNPO-RELATED; SEIZURES, PYRIDOXINE-RESISTANT, PLP-SENSITIVE; Pyridoxamine 5-Prime-Phosphate Oxidase Deficiency. Identifiers: Orphanet 79096, MedGen C1864723, MONDO:0012407, OMIM 610090. Disease mechanism: loss of function.

Allele frequency attached by ClinVar (database versions not stated): TOPMed below 0.00001; gnomAD 0.00001.
gnomAD v4.1: 1 of 1,614,094 alleles (0.000062%); highest among the groups gnomAD compares: Admixed American, 0.0017%; no homozygotes.

Submission:

Labcorp Genetics (formerly Invitae), Labcorp
Classification: Uncertain significance for Pyridoxal phosphate-responsive seizures. Last evaluated: 2021-04-04. Review status: criteria provided, single submitter. Criteria: Invitae Variant Classification Sherloc (09022015). Collection method: clinical testing. Allele origin: germline.
Comment: This variant has not been reported in the literature in individuals with PNPO-related conditions. In summary, the available evidence is currently insufficient to determine the role of this variant in disease. Therefore, it has been classified as a Variant of Uncertain Significance. Algorithms developed to predict the effect of missense changes on protein structure and function are either unavailable or do not agree on the potential impact of this missense change (SIFT: "Tolerated"; PolyPhen-2: "Possibly Damaging"; Align-GVGD: "Class C0"). This variant is not present in population databases (ExAC no frequency). This sequence change replaces threonine with alanine at codon 223 of the PNPO protein (p.Thr223Ala). The threonine residue is moderately conserved and there is a small physicochemical difference between threonine and alanine.